The following is an entry in ClinVar:

NM_001009944.3(PKD1):c.5766G>A (p.Gln1922=)

Gene: PKD1 (polycystin 1, transient receptor potential channel interacting; minus strand). Cytogenetic location: 16p13.3.
Variant type: single nucleotide variant.
Coding change: c.5766G>A on transcript NM_001009944.3 (MANE Select); coding-DNA position 5766, G replaced by A.
Protein change: p.Gln1922=; no amino-acid change (glutamine 1922 retained).
Molecular consequence: synonymous variant.
Genome position (GRCh38, 1-based): chr16:2,109,401, C>T on the plus strand (G>A on the coding strand, the complement: PKD1 is on the minus strand). VCF-style: chr16-2109401-C-T. GRCh37 (hg19) VCF-style: chr16-2159402-C-T.
Other names: c.5766G>A, p.Gln1922= (NM_000296.4).
Identifiers: ClinVar variation 4847394 (VCV004847394.1).

ClinVar aggregate classification (germline): Likely benign (1 of 4 stars; one submission).

Submission:

Women's Health and Genetics/Laboratory Corporation of America, LabCorp
Classification: Likely benign. Last evaluated: 2026-03-09. Review status: criteria provided, single submitter. Criteria: LabCorp Variant Classification Summary - May 2015. Collection method: clinical testing. Allele origin: germline.
Comment: Variant summary: PKD1 c.5766G>A alters a non-conserved nucleotide resulting in a synonymous change. Consensus agreement among computation tools predict no significant impact on normal splicing. However, these predictions have yet to be confirmed by functional studies. The variant was absent in 232416 control chromosomes. The available data on variant occurrences in the general population are insufficient to allow any conclusion about variant significance. To our knowledge, no occurrence of c.5766G>A in individuals affected with PKD1-related conditions and no experimental evidence demonstrating its impact on protein function have been reported. No submitters have cited clinical-significance assessments for this variant to ClinVar. Based on the evidence outlined above, the variant was classified as likely benign.